The following is an entry in ClinVar:

ClinVar aggregate classification (germline): Benign/Likely benign. Review status: criteria provided, multiple submitters, no conflicts (2 of 4 stars). 2 submissions from 2 submitters: Benign (1); Likely benign (1). Last evaluated 2024-11-13.

Conditions:
Papillary renal cell carcinoma type 1 (RCCP1). Also called: RENAL CELL CARCINOMA, PAPILLARY, 1, SOMATIC; Renal adenocarcinoma; Renal cell carcinoma 1; Renal cell carcinoma, somatic. Identifiers: Orphanet 47044, MedGen C1336839, OMIM 605074, HP:0011797.
Hereditary cancer-predisposing syndrome. Also called: Neoplastic Syndromes, Hereditary; Tumor predisposition; Hereditary neoplastic syndrome; Hereditary Cancer Syndrome. Identifiers: Orphanet 140162, MedGen C0027672, MeSH D009386, MONDO:0015356.

Submissions (2):

Myriad Genetics, Inc.
Classification: Benign for Papillary renal cell carcinoma type 1. Last evaluated: 2024-11-13. Review status: criteria provided, single submitter. Criteria: Myriad Autosomal Dominant, Autosomal Recessive and X-Linked Classification Criteria (2023). Collection method: clinical testing. Allele origin: unknown.
Comment: This variant is considered benign. This variant is a silent/synonymous amino acid change and it is not expected to impact splicing.

Ambry Genetics
Classification: Likely benign for Hereditary cancer-predisposing syndrome. Last evaluated: 2023-12-29. Review status: criteria provided, single submitter. Criteria: Ambry Variant Classification Scheme 2023. Collection method: clinical testing. Allele origin: germline.

NM_000245.4(MET):c.3139C>T (p.Leu1047=)

Gene: MET (MET proto-oncogene, receptor tyrosine kinase; plus strand). Cytogenetic location: 7q31.2.
Variant type: single nucleotide variant.
Coding change: c.3139C>T on transcript NM_000245.4 (MANE Select); coding-DNA position 3139, C replaced by T.
Protein change: p.Leu1047=; no amino-acid change (leucine 1047 retained).
Molecular consequence: synonymous variant.
Genome position (GRCh38, 1-based): chr7:116,774,991, C>T. VCF-style: chr7-116774991-C-T. GRCh37 (hg19) VCF-style: chr7-116415045-C-T.
Other names: c.3193C>T, p.Leu1065= (NM_001127500.3); c.1849C>T, p.Leu617= (NM_001324402.2).
Identifiers: ClinVar variation 3232971 (VCV003232971.2), dbSNP rs2117030875, ClinGen allele CA457218404.
Genomic context (GRCh38, chr7:116,774,991, plus strand): 5'-CCTCTGACAGACATGTCCCCCATCCTAACTAGTGGGGACTCTGATATATCCAGTCCATTA[C>T]TGCAAAATACTGTCCACATTGACCTCAGTGCTCTAAATCCAGAGCTGGTCCAGGCAGTGC-3'
Protein context (NP_000236.2, residues 1037-1057): SGDSDISSPL[Leu1047=]QNTVHIDLSA